The following is an entry in ClinVar:

ClinVar aggregate classification (germline): Likely pathogenic (1 of 4 stars; one submission).

Conditions:
Inborn genetic diseases. Identifiers: MedGen C0950123, MeSH D030342.

Submission:

Ambry Genetics
Classification: Likely pathogenic for Inborn genetic diseases. Last evaluated: 2024-04-02. Review status: criteria provided, single submitter. Criteria: Ambry Variant Classification Scheme 2023. Collection method: clinical testing. Allele origin: germline.
Comment: The c.848_856+17del26 intronic variant begins 9 nucleotides before the end of coding exon 5 in the SRCAP gene. This variant results from a deletion of 26 nucleotides at positions c.848 to c.856+17. for SRCAP-related neurodevelopmental disorder; however, its clinical significance for Floating-Harbor syndrome is uncertain. This variant was not reported in population-based cohorts in the Genome Aggregation Database (gnomAD). This nucleotide position is not well conserved in available vertebrate species. In silico splice site analysis predicts that this alteration may result in the creation or strengthening of a novel splice donor site. Based on the available evidence, this alteration is classified as likely pathogenic.

NM_006662.3(SRCAP):c.848_856+17del

Gene: SRCAP (Snf2 related CREBBP activator protein; plus strand). Cytogenetic location: 16p11.2.
Variant type: Deletion.
Coding change: c.848_856+17del on transcript NM_006662.3 (MANE Select); coding-DNA position 848 through 17 bases into the intron after coding-DNA position 856, 26 bases deleted (ATGATGAAGGTGTGTGTTCTCTTTGG).
Molecular consequence: splice donor variant.
Genome position (GRCh38, 1-based): chr16:30,709,727-30,709,752, ATGATGAAGGTGTGTGTTCTCTTTGG deleted; deleting any 26 consecutive bases within chr16:30,709,724-30,709,752 gives the same sequence; the c. name uses the placement nearest the transcript's 3' end. VCF-style (leftmost placement, unchanged base first): chr16-30709723-CTGGATGATGAAGGTGTGTGTTCTCTT-C. GRCh37 (hg19) VCF-style: chr16-30721044-CTGGATGATGAAGGTGTGTGTTCTCTT-C.
Identifiers: ClinVar variation 3322574 (VCV003322574.1).